The following is an entry in ClinVar:

NM_002645.4(PIK3C2A):c.2470G>C (p.Val824Leu)

Gene: PIK3C2A (phosphatidylinositol-4-phosphate 3-kinase catalytic subunit type 2 alpha; minus strand). Cytogenetic location: 11p15.1.
Variant type: single nucleotide variant.
Coding change: c.2470G>C on transcript NM_002645.4 (MANE Select); coding-DNA position 2470, G replaced by C.
Protein change: p.Val824Leu; replaces valine 824 with leucine.
Molecular consequence: missense variant.
Genome position (GRCh38, 1-based): chr11:17,122,743, C>G on the plus strand (G>C on the coding strand, the complement: PIK3C2A is on the minus strand). VCF-style: chr11-17122743-C-G. GRCh37 (hg19) VCF-style: chr11-17144290-C-G.
Other names: c.2470G>C, p.Val824Leu (NM_001321378.2); c.1330G>C, p.Val444Leu (NM_001321380.2); c.2302G>C, p.Val768Leu (NM_001386870.1); short protein forms V444L, V824L, V768L.
Identifiers: ClinVar variation 2336111 (VCV002336111.5), dbSNP rs1250441581, ClinGen allele CA379762415.

ClinVar aggregate classification (germline): Uncertain significance. Review status: criteria provided, multiple submitters, no conflicts (2 of 4 stars). 2 submissions from 2 submitters: Uncertain significance (2). Last evaluated 2024-09-16.

Allele frequency attached by ClinVar (database versions not stated): gnomAD 0.00001; gnomAD exomes 0.00001; TOPMed 0.00001.
gnomAD v4.1: 15 of 1,564,866 alleles (0.00096%); highest among the groups gnomAD compares: Non-Finnish European, 0.0011%; no homozygotes.

Submissions (2):

Labcorp Genetics (formerly Invitae), Labcorp
Classification: Uncertain significance. Last evaluated: 2024-09-16. Review status: criteria provided, single submitter. Criteria: Invitae Variant Classification Sherloc (09022015). Collection method: clinical testing. Allele origin: germline.
Comment: This sequence change replaces valine, which is neutral and non-polar, with leucine, which is neutral and non-polar, at codon 824 of the PIK3C2A protein (p.Val824Leu). This variant is present in population databases (no rsID available, gnomAD 0.002%). This variant has not been reported in the literature in individuals affected with PIK3C2A-related conditions. ClinVar contains an entry for this variant (Variation ID: 2336111). An algorithm developed to predict the effect of missense changes on protein structure and function outputs the following: PolyPhen-2: "Benign". The leucine amino acid residue is found in multiple mammalian species, which suggests that this missense change does not adversely affect protein function. In summary, the available evidence is currently insufficient to determine the role of this variant in disease. Therefore, it has been classified as a Variant of Uncertain Significance.

Ambry Genetics
Classification: Uncertain significance. Last evaluated: 2022-12-16. Review status: criteria provided, single submitter. Criteria: Ambry Variant Classification Scheme 2023. Collection method: clinical testing. Allele origin: germline.